The following is an entry in ClinVar:

NM_015272.5(RPGRIP1L):c.685G>A (p.Ala229Thr)

Gene: RPGRIP1L (RPGRIP1 like; minus strand). Cytogenetic location: 16q12.2.
Variant type: single nucleotide variant.
Coding change: c.685G>A on transcript NM_015272.5 (MANE Select); coding-DNA position 685, G replaced by A.
Protein change: p.Ala229Thr; replaces alanine 229 with threonine.
Molecular consequence: missense variant.
Genome position (GRCh38, 1-based): chr16:53,686,524, C>T on the plus strand (G>A on the coding strand, the complement: RPGRIP1L is on the minus strand). VCF-style: chr16-53686524-C-T. GRCh37 (hg19) VCF-style: chr16-53720436-C-T.
Other names: RPGRIP1L, ALA229THR (rs61747071); p.A229T:GCT>ACT; c.685G>A; c.685G>A (NM_015272.4); c.685G>A, p.Ala229Thr (NM_001127897.4, NM_001308334.3, NM_001330538.2); short protein forms A229T.
Identifiers: ClinVar variation 1078 (VCV000001078.37), dbSNP rs61747071, ClinGen allele CA114735.

ClinVar aggregate classification (germline): Benign/Likely benign. Review status: criteria provided, multiple submitters, no conflicts (2 of 4 stars). 23 submissions from 19 submitters: Benign (13); Likely benign (1). 9 of the submissions do not count toward it. Last evaluated 2026-02-04.

Conditions:
COACH syndrome 3. Identifiers: MedGen C5436841, MONDO:0030862, OMIM 619113.
Meckel syndrome, type 5 (MKS5). Identifiers: Orphanet 564, MedGen C1969052, MONDO:0012695, OMIM 611561.
Joubert syndrome 7 (JBTS7). Identifiers: Orphanet 220497, MedGen C1969053, MONDO:0012694, OMIM 611560.
Meckel-Gruber syndrome. Also called: GRUBER SYNDROME; Dysencephalia splachnocystica; DYSENCEPHALIA SPLANCHNOCYSTICA. Identifiers: Orphanet 564, MedGen C0265215, MONDO:0018921.
Joubert syndrome. Also called: JOUBERT-BOLTSHAUSER SYNDROME; Familial aplasia of the vermis. Identifiers: Orphanet 475, MedGen C5979921, MONDO:0018772.
Nephronophthisis. Also called: Juvenile Nephronophthisis. Identifiers: Orphanet 655, MedGen C0687120, MONDO:0019005, HP:0000090.
Nephronophthisis 8. Identifiers: MedGen CN119610.
Retinitis pigmentosa in ciliopathies, modifier of.
Focal segmental glomerulosclerosis (FSGS). Also called: Glomerulosclerosis, focal; Focal sclerosis with hyalinosis. Identifiers: MedGen C0017668, MONDO:0100313, HP:0000097. Disease mechanism: loss of function.

Allele frequency attached by ClinVar (database versions not stated): TOPMed 0.05185; 1000 Genomes Project 0.05331; gnomAD exomes 0.03564; 1000 Genomes Project 30x 0.05668; ExAC 0.03750; gnomAD 0.04901 and 0.04969.

Submissions (23):

Labcorp Genetics (formerly Invitae), Labcorp
Classification: Benign for Joubert syndrome; Meckel-Gruber syndrome. Last evaluated: 2026-02-04. Review status: criteria provided, single submitter. Criteria: Invitae Variant Classification Sherloc (09022015). Collection method: clinical testing. Allele origin: germline.

Blueprint Genetics
Classification: Likely benign. Last evaluated: 2024-11-27. Review status: criteria provided, single submitter. Criteria: ACMG Guidelines, 2015. Collection method: clinical testing. Allele origin: germline.

Mayo Clinic Laboratories, Mayo Clinic
Classification: Benign. Last evaluated: 2023-04-19. Review status: criteria provided, single submitter. Criteria: ACMG Guidelines, 2015. Collection method: clinical testing. Allele origin: germline. Observed: 39 variant alleles.
Comment: BA1, BS2, BP4

Department of Pathology and Laboratory Medicine, Sinai Health System
Classification: Benign for Joubert syndrome 7; Meckel syndrome, type 5; COACH syndrome 3. Last evaluated: 2023-04-17. Review status: criteria provided, single submitter. Criteria: ACMG Guidelines, 2015. Collection method: research. Allele origin: germline.

Genome Diagnostics Laboratory, The Hospital for Sick Children
Classification: Benign for Focal segmental glomerulosclerosis. Last evaluated: 2022-09-09. Review status: criteria provided, single submitter. Criteria: ACMG Guidelines, 2015. Collection method: clinical testing. Allele origin: germline.

Women's Health and Genetics/Laboratory Corporation of America, LabCorp
Classification: Benign. Last evaluated: 2021-12-20. Review status: criteria provided, single submitter. Criteria: LabCorp Variant Classification Summary - May 2015. Collection method: clinical testing. Allele origin: germline.
Comment: Variant summary: RPGRIP1L c.685G>A (p.Ala229Thr) results in a non-conservative amino acid change in the encoded protein sequence. Two of three in-silico tools predict a damaging effect of the variant on protein function. The variant allele was found at a frequency of 0.036 in 251116 control chromosomes, predominantly at a frequency of 0.11 within the African or African-American subpopulation in the gnomAD database, including 73 homozygotes. The observed variant frequency within African or African-American control individuals in the gnomAD database is approximately 139.14 fold of the estimated maximal expected allele frequency for a pathogenic variant in RPGRIP1L causing Joubert Syndrome And Related Disorders phenotype (0.00079), strongly suggesting that the variant is a benign polymorphism found primarily in populations of African or African-American origin. Seven clinical diagnostic laboratories have submitted clinical-significance assessments for this variant to ClinVar after 2014 without evidence for independent evaluation. Multiple laboratories reported the variant with conflicting assessments. Based on the evidence outlined above, the variant was classified as benign.

Genome-Nilou Lab
Classification: Benign for Joubert syndrome 7. Last evaluated: 2021-06-10. Review status: criteria provided, single submitter. Criteria: ACMG Guidelines, 2015. Collection method: clinical testing. Allele origin: germline. Affected: no.

Illumina Laboratory Services, Illumina
Classification: Benign for Joubert syndrome 7. Last evaluated: 2018-03-06. Review status: criteria provided, single submitter. Criteria: ICSL Variant Classification Criteria 13 December 2019. Collection method: clinical testing. Allele origin: germline.
Comment: This variant was observed in the ICSL laboratory as part of a predisposition screen in an ostensibly healthy population. It had not been previously curated by ICSL or reported in the Human Gene Mutation Database (HGMD: prior to June 1st, 2018), and was therefore a candidate for classification through an automated scoring system. Utilizing variant allele frequency, disease prevalence and penetrance estimates, and inheritance mode, an automated score was calculated to assess if this variant is too frequent to cause the disease. Based on the score and internal cut-off values, a variant classified as benign is not then subjected to further curation. The score for this variant resulted in a classification of benign for this disease.

Illumina Laboratory Services, Illumina
Classification: Benign for Meckel syndrome, type 5. Last evaluated: 2018-03-06. Review status: criteria provided, single submitter. Criteria: ICSL Variant Classification Criteria 13 December 2019. Collection method: clinical testing. Allele origin: germline.
Comment: the same text as in the submission from Illumina Laboratory Services, Illumina above.

Illumina Laboratory Services, Illumina
Classification: Benign for Nephronophthisis 8. Last evaluated: 2018-03-06. Review status: criteria provided, single submitter. Criteria: ICSL Variant Classification Criteria 13 December 2019. Collection method: clinical testing. Allele origin: germline.
Comment: the same text as in the submission from Illumina Laboratory Services, Illumina above.

Eurofins Ntd Llc (ga)
Classification: Benign. Last evaluated: 2015-02-13. Review status: criteria provided, single submitter. Criteria: EGL Classification Definitions 2015. Collection method: clinical testing. Allele origin: germline. Observed: 1 variant allele, 1 heterozygote.

GeneDx
Classification: Benign. Last evaluated: 2014-03-21. Review status: criteria provided, single submitter. Criteria: GeneDx Variant Classification (06012015). Collection method: clinical testing. Allele origin: germline. Affected: yes.
Comment: This variant is considered likely benign or benign based on one or more of the following criteria: it is a conservative change, it occurs at a poorly conserved position in the protein, it is predicted to be benign by multiple in silico algorithms, and/or has population frequency not consistent with disease.

Breakthrough Genomics
Classification: Benign. Review status: criteria provided, single submitter. Criteria: ACMG Guidelines, 2015. Collection method: not provided. Allele origin: germline. Inheritance: Autosomal recessive inheritance. Affected: yes.

PreventionGenetics, part of Exact Sciences
Classification: Benign. Review status: criteria provided, single submitter. Criteria: ACMG Guidelines, 2015. Collection method: clinical testing. Allele origin: germline.

Natera, Inc.
Classification: Benign for Joubert syndrome. Last evaluated: 2020-09-16. Review status: no assertion criteria provided. Collection method: clinical testing. Allele origin: germline. Not counted in ClinVar's aggregate classification.

GeneReviews
Classification: Pathogenic for Joubert Syndrome and Related Disorders. Last evaluated: 2012-03-29. Review status: no assertion criteria provided. Collection method: curation. Allele origin: unknown. Not counted in ClinVar's aggregate classification.
ClinVar note: Converted during submission from pathologic to Pathogenic.

OMIM
Classification: risk factor for RETINITIS PIGMENTOSA IN CILIOPATHIES, MODIFIER OF. Last evaluated: 2009-06-01. Review status: no assertion criteria provided. Collection method: literature only. Allele origin: germline. Not counted in ClinVar's aggregate classification.

Clinical Genetics DNA and cytogenetics Diagnostics Lab, Erasmus MC, Erasmus Medical Center
Classification: Benign. Review status: no assertion criteria provided. Collection method: clinical testing. Allele origin: germline. Affected: yes. Study: VKGL Data-share Consensus. Not counted in ClinVar's aggregate classification.

Clinical Genetics, Academic Medical Center
Classification: Benign. Review status: no assertion criteria provided. Collection method: clinical testing. Allele origin: germline. Affected: yes. Study: VKGL Data-share Consensus. Not counted in ClinVar's aggregate classification.

GeneReviews
No classification provided. Condition: Nephronophthisis. Review status: no classification provided. Collection method: literature only. Allele origin: germline. Affected: yes. Not counted in ClinVar's aggregate classification.

GeneReviews
No classification provided. Condition: Joubert syndrome 7. Review status: no classification provided. Collection method: literature only. Allele origin: germline. Not counted in ClinVar's aggregate classification.

Genetic Services Laboratory, University of Chicago
Classification: Likely benign for AllHighlyPenetrant. Review status: no assertion criteria provided. Collection method: clinical testing. Allele origin: germline. Inheritance: Autosomal recessive inheritance. Observed: 23 variant alleles. Not counted in ClinVar's aggregate classification.
Comment: Likely benign based on allele frequency in 1000 Genomes Project or ESP global frequency and its presence in a patient with a rare or unrelated disease phenotype. NOT Sanger confirmed.

Genome Diagnostics Laboratory, University Medical Center Utrecht
Classification: Likely benign. Review status: no assertion criteria provided. Collection method: clinical testing. Allele origin: germline. Affected: yes. Study: VKGL Data-share Consensus. Not counted in ClinVar's aggregate classification.

Literature cited by the submitters: PubMed 19430481 (cited by OMIM and GeneReviews); NCBI Bookshelf NBK368475 (cited by GeneReviews); NCBI Bookshelf NBK1325 (cited by GeneReviews); PubMed 20301500 (cited by GeneReviews).